The following is an entry in ClinVar:

ClinVar aggregate classification (germline): Uncertain significance. Review status: criteria provided, multiple submitters, no conflicts (2 of 4 stars). 6 submissions from 6 submitters: Uncertain significance (6). Last evaluated 2026-01-04.

Conditions:
Congenital contractural arachnodactyly (CCA). Also called: BEALS SYNDROME; Beals-Hecht syndrome; Arthrogryposis, distal, type 9. Identifiers: Orphanet 115, MedGen C0220668, MONDO:0007363, OMIM 121050.
Macular degeneration, early-onset (EOMD). Identifiers: MedGen C4015286, MONDO:0014501, OMIM 616118.
Familial thoracic aortic aneurysm and aortic dissection (TAAD). Also called: Thoracic aortic aneurysms and dissections. Identifiers: Orphanet 91387, MedGen C4707243, MONDO:0019625.

Allele frequency attached by ClinVar (database versions not stated): ExAC 0.00002; gnomAD exomes 0.00004 and 0.00005; gnomAD 0.00005; TOPMed 0.00005.
gnomAD v4.1: 60 of 1,610,680 alleles (0.0037%); highest among the groups gnomAD compares: Non-Finnish European, 0.005%; no homozygotes.

Submissions (6):

Labcorp Genetics (formerly Invitae), Labcorp
Classification: Uncertain significance for Congenital contractural arachnodactyly. Last evaluated: 2026-01-04. Review status: criteria provided, single submitter. Criteria: Invitae Variant Classification Sherloc (09022015). Collection method: clinical testing. Allele origin: germline.
Comment: This sequence change replaces valine, which is neutral and non-polar, with methionine, which is neutral and non-polar, at codon 1368 of the FBN2 protein (p.Val1368Met). This variant is present in population databases (rs762139261, gnomAD 0.01%). This variant has not been reported in the literature in individuals affected with FBN2-related conditions. ClinVar contains an entry for this variant (Variation ID: 213407). An algorithm developed to predict the effect of missense changes on protein structure and function (PolyPhen-2) suggests that this variant is likely to be disruptive. In summary, the available evidence is currently insufficient to determine the role of this variant in disease. Therefore, it has been classified as a Variant of Uncertain Significance.

Ambry Genetics
Classification: Uncertain significance for Familial thoracic aortic aneurysm and aortic dissection. Last evaluated: 2024-12-20. Review status: criteria provided, single submitter. Criteria: Ambry Variant Classification Scheme 2023. Collection method: clinical testing. Allele origin: germline.
Comment: The p.V1368M variant (also known as c.4102G>A), located in coding exon 32 of the FBN2 gene, results from a G to A substitution at nucleotide position 4102. The valine at codon 1368 is replaced by methionine, an amino acid with highly similar properties. This amino acid position is well conserved in available vertebrate species. In addition, this alteration is predicted to be deleterious by in silico analysis. Based on the available evidence, the clinical significance of this variant remains unclear.

Fulgent Genetics
Classification: Uncertain significance for Congenital contractural arachnodactyly; Macular degeneration, early-onset. Last evaluated: 2021-11-03. Review status: criteria provided, single submitter. Criteria: ACMG Guidelines, 2015. Collection method: clinical testing. Allele origin: unknown.

GeneDx
Classification: Uncertain significance. Last evaluated: 2019-07-30. Review status: criteria provided, single submitter. Criteria: GeneDx Variant Classification Process June 2021. Collection method: clinical testing. Allele origin: germline. Affected: yes.
Comment: Has not been previously published as pathogenic or benign to our knowledge; In silico analysis, which includes protein predictors and evolutionary conservation, supports that this variant does not alter protein structure/function; Although located in a calcium-binding EGF-like domain of the FBN2 gene, it does not affect a cysteine residue within this domain; cysteine substitutions in the calcium-binding EGF-like domains represent the majority of pathogenic missense changes associated with FBN2-related disorders (Collod-Beroud et al., 2003; Frederic et al., 2009).; Reported in ClinVar but additional evidence is not available (ClinVar Variant ID# 213407; Landrum et al., 2016)

CeGaT Center for Human Genetics Tuebingen
Classification: Uncertain significance. Last evaluated: 2019-03-01. Review status: criteria provided, single submitter. Criteria: CeGaT Center For Human Genetics Tuebingen Variant Classification Criteria Version 2. Collection method: clinical testing. Allele origin: germline. Affected: yes. Observed: 1 variant allele.

ARUP Laboratories, Molecular Genetics and Genomics, ARUP Laboratories
Classification: Uncertain significance. Last evaluated: 2018-01-28. Review status: criteria provided, single submitter. Criteria: ARUP Molecular Germline Variant Investigation Process. Collection method: clinical testing. Allele origin: germline.
Comment: The FBN2 c.4102G>A; p.Val1368Met variant (rs762139261), to our knowledge, is not reported in the medical literature, gene specific variation databases, nor has it been previously identified by our laboratory. This variant is listed in the genome Aggregation Database (gnomAD) with an overall population frequency of 0.005% (identified on 14 out of 276,890 chromosomes) and is classified as a variant of unknown significance in ClinVar (ID: 213407).The valine at position 1368 is moderately conserved, considering 11 species, and computational analyses of the effects of the p.Val1368Met variant on protein structure and function predict a deleterious effect (SIFT: damaging, MutationTaster: disease causing, PolyPhen-2: probably damaging).The majority of pathogenic FBN2 missense variants are substitutions of cysteine residues within critical calcium-binding EGF-like domains (Collod-Beroud 2003), and while this variant is located in an EGF-like domain, it does not affect a conserved cysteine residue. Based on the available information, the clinical significance of the p.Val1368Met variant cannot be determined with certainty.

NM_001999.4(FBN2):c.4102G>A (p.Val1368Met)

Gene: FBN2 (fibrillin 2; minus strand). Cytogenetic location: 5q23.3.
Variant type: single nucleotide variant.
Coding change: c.4102G>A on transcript NM_001999.4 (MANE Select); coding-DNA position 4102, G replaced by A.
Protein change: p.Val1368Met; replaces valine 1368 with methionine.
Molecular consequence: missense variant.
Genome position (GRCh38, 1-based): chr5:128,333,032, C>T on the plus strand (G>A on the coding strand, the complement: FBN2 is on the minus strand). VCF-style: chr5-128333032-C-T. GRCh37 (hg19) VCF-style: chr5-127668724-C-T.
Other names: short protein forms V1368M.
Identifiers: ClinVar variation 213407 (VCV000213407.60), dbSNP rs762139261, ClinGen allele CA322688.
Genomic context (GRCh38, chr5:128,333,032, plus strand): 5'-GGATATTCAGACATGAGGCATGCATGTCGCAGTTATGAGCACCAATTTCACACTCATCCA[C>T]ATCTGATAAACCATAATTCATAAGAAGAAAATCAAAATACAAACTAATTAATTCTACTTC-3'
Protein context (NP_001990.2, residues 1358-1378): VKKGTTGCTD[Val1368Met]DECEIGAHNC